The following is an entry in ClinVar:

NM_005219.5(DIAPH1):c.974C>T (p.Ala325Val)

Gene: DIAPH1 (diaphanous related formin 1; minus strand). Cytogenetic location: 5q31.3.
Variant type: single nucleotide variant.
Coding change: c.974C>T on transcript NM_005219.5 (MANE Select); coding-DNA position 974, C replaced by T.
Protein change: p.Ala325Val; replaces alanine 325 with valine.
Molecular consequence: missense variant.
Genome position (GRCh38, 1-based): chr5:141,578,585, G>A on the plus strand (C>T on the coding strand, the complement: DIAPH1 is on the minus strand). VCF-style: chr5-141578585-G-A. GRCh37 (hg19) VCF-style: chr5-140958152-G-A.
Other names: c.947C>T, p.Ala316Val (NM_001079812.3); c.974C>T, p.Ala325Val (NM_001314007.2); short protein forms A316V, A325V.
Identifiers: ClinVar variation 3082358 (VCV003082358.3), dbSNP rs376981308, ClinGen allele CA3479422.
Genomic context (GRCh38, chr5:141,578,585, plus strand): 5'-TGATGTAGCCCCAAACGCATCAGTTCACTTCTGATGTGAACTCGGAAGTCAAGTTCCTCC[G>A]CTGGTGTGATGAGAGCATTGATCAGCTGTAGGCATCCAACCTAAAATAAGAAAATTCAGC-3'
Protein context (NP_005210.3, residues 315-335): LQLINALITP[Ala325Val]EELDFRVHIR

ClinVar aggregate classification (germline): Uncertain significance. Review status: criteria provided, multiple submitters, no conflicts (2 of 4 stars). 2 submissions from 2 submitters: Uncertain significance (2). Last evaluated 2024-10-25.

Conditions:
Autosomal dominant nonsyndromic hearing loss 1. Also called: KONIGSMARK SYNDROME; DEAFNESS, AUTOSOMAL DOMINANT 1, WITH OR WITHOUT THROMBOCYTOPENIA. Identifiers: Orphanet 90635, MedGen C1852282, MONDO:0007424, OMIM 124900.
Progressive microcephaly-seizures-cortical blindness-developmental delay syndrome. Also called: Seizures, cortical blindness, and microcephaly syndrome. Identifiers: Orphanet 477814, MedGen C5567650, MONDO:0014714, OMIM 616632.
Inborn genetic diseases. Identifiers: MedGen C0950123, MeSH D030342.

Allele frequency attached by ClinVar (database versions not stated): gnomAD 0.00001; gnomAD exomes 0.00001; ExAC 0.00002; ESP Exome Variant Server 0.00008.
gnomAD v4.1: 14 of 1,613,566 alleles (0.00087%); highest among the groups gnomAD compares: African/African-American, 0.0013%; no homozygotes.

Submissions (2):

Labcorp Genetics (formerly Invitae), Labcorp
Classification: Uncertain significance for Progressive microcephaly-seizures-cortical blindness-developmental delay syndrome; Autosomal dominant nonsyndromic hearing loss 1. Last evaluated: 2024-10-25. Review status: criteria provided, single submitter. Criteria: Invitae Variant Classification Sherloc (09022015). Collection method: clinical testing. Allele origin: germline.
Comment: This sequence change replaces alanine, which is neutral and non-polar, with valine, which is neutral and non-polar, at codon 325 of the DIAPH1 protein (p.Ala325Val). This variant is present in population databases (rs376981308, gnomAD 0.003%). This variant has not been reported in the literature in individuals affected with DIAPH1-related conditions. Experimental studies and prediction algorithms are not available or were not evaluated, and the functional significance of this variant is currently unknown. In summary, the available evidence is currently insufficient to determine the role of this variant in disease. Therefore, it has been classified as a Variant of Uncertain Significance.

Ambry Genetics
Classification: Uncertain significance for Inborn genetic diseases. Last evaluated: 2023-12-27. Review status: criteria provided, single submitter. Criteria: Ambry Variant Classification Scheme 2023. Collection method: clinical testing. Allele origin: germline.